The following is an entry in ClinVar:

ClinVar aggregate classification (germline): Uncertain significance (1 of 4 stars; one submission).

Conditions:
Hypertrophic cardiomyopathy 13. Also called: TNNC1-Related Familial Hypertrophic Cardiomyopathy. Identifiers: MedGen C2750472, MONDO:0013195, OMIM 613243.
Dilated cardiomyopathy 1Z (CMD1Z). Identifiers: Orphanet 154, MedGen C2678475, MONDO:0012745, OMIM 611879.

Submission:

Labcorp Genetics (formerly Invitae), Labcorp
Classification: Uncertain significance for Hypertrophic cardiomyopathy 13; Dilated cardiomyopathy 1Z. Last evaluated: 2026-01-21. Review status: criteria provided, single submitter. Criteria: Invitae Variant Classification Sherloc (09022015). Collection method: clinical testing. Allele origin: germline.
Comment: This sequence change affects codon 8 of the TNNC1 mRNA. It is a 'silent' change, meaning that it does not change the encoded amino acid sequence of the TNNC1 protein. This variant also falls at the last nucleotide of exon 1, which is part of the consensus splice site for this exon. The frequency data for this variant in the population databases is considered unreliable, as metrics indicate poor data quality at this position in the gnomAD database. This variant has not been reported in the literature in individuals affected with TNNC1-related conditions. Variants that disrupt the consensus splice site are a relatively common cause of aberrant splicing (PMID: 17576681, 9536098). Algorithms developed to predict the effect of sequence changes on RNA splicing suggest that this variant is not likely to affect RNA splicing. In summary, the available evidence is currently insufficient to determine the role of this variant in disease. Therefore, it has been classified as a Variant of Uncertain Significance.

Literature cited by the submitters: PubMed 17576681; PubMed 9536098.

NM_003280.3(TNNC1):c.24G>A (p.Ala8=)

Gene: TNNC1 (troponin C1, slow skeletal and cardiac type; minus strand). Cytogenetic location: 3p21.1.
Variant type: single nucleotide variant.
Coding change: c.24G>A on transcript NM_003280.3 (MANE Select); coding-DNA position 24, G replaced by A.
Protein change: p.Ala8=; no amino-acid change (alanine 8 retained).
Molecular consequence: synonymous variant.
Genome position (GRCh38, 1-based): chr3:52,453,992, C>T on the plus strand (G>A on the coding strand, the complement: TNNC1 is on the minus strand). VCF-style: chr3-52453992-C-T. GRCh37 (hg19) VCF-style: chr3-52488008-C-T.
Identifiers: ClinVar variation 4788179 (VCV004788179.1).